The following is an entry in ClinVar:

ClinVar aggregate classification (germline): Conflicting classifications of pathogenicity. Review status: criteria provided, conflicting classifications (1 of 4 stars). 5 submissions from 5 submitters: Uncertain significance (1); Benign (1); Likely benign (3). Last evaluated 2025-12-26.

Conditions:
Thrombocytopenia 2 (THC2). Also called: ANKRD26-Related Thrombocytopenia. Identifiers: Orphanet 268322, MedGen C1861185, MONDO:0008555, OMIM 188000.
ANKRD26-related disorder. Also called: ANKRD26-related condition.

Allele frequency attached by ClinVar (database versions not stated): TOPMed 0.00006; gnomAD 0.00009; gnomAD exomes 0.00019; ExAC 0.00034.
gnomAD v4.1: 177 of 1,593,322 alleles (0.011%); highest among the groups gnomAD compares: South Asian, 0.025%; 1 homozygote.

Submissions (5):

Labcorp Genetics (formerly Invitae), Labcorp
Classification: Likely benign. Last evaluated: 2025-12-26. Review status: criteria provided, single submitter. Criteria: Invitae Variant Classification Sherloc (09022015). Collection method: clinical testing. Allele origin: germline.

PreventionGenetics, part of Exact Sciences
Classification: Likely benign for ANKRD26-related condition. Last evaluated: 2025-02-04. Review status: criteria provided, single submitter. Criteria: ACMG Guidelines, 2015. Collection method: clinical testing. Allele origin: germline.
Comment: This variant is classified as likely benign based on ACMG/AMP sequence variant interpretation guidelines (Richards et al. 2015 PMID: 25741868, with internal and published modifications).

Blueprint Genetics
Classification: Likely benign. Last evaluated: 2024-10-18. Review status: criteria provided, single submitter. Criteria: ACMG Guidelines, 2015. Collection method: clinical testing. Allele origin: germline.

Genetic Services Laboratory, University of Chicago
Classification: Uncertain significance. Last evaluated: 2019-04-10. Review status: criteria provided, single submitter. Criteria: ACMG Guidelines, 2015. Collection method: clinical testing. Allele origin: germline. Affected: no.

Illumina Laboratory Services, Illumina
Classification: Benign for Thrombocytopenia 2. Last evaluated: 2018-01-12. Review status: criteria provided, single submitter. Criteria: ICSL Variant Classification Criteria 13 December 2019. Collection method: clinical testing. Allele origin: germline.
Comment: This variant was observed in the ICSL laboratory as part of a predisposition screen in an ostensibly healthy population. It had not been previously curated by ICSL or reported in the Human Gene Mutation Database (HGMD: prior to June 1st, 2018), and was therefore a candidate for classification through an automated scoring system. Utilizing variant allele frequency, disease prevalence and penetrance estimates, and inheritance mode, an automated score was calculated to assess if this variant is too frequent to cause the disease. Based on the score and internal cut-off values, a variant classified as benign is not then subjected to further curation. The score for this variant resulted in a classification of benign for this disease.

NM_014915.3(ANKRD26):c.2559+10T>A

Gene: ANKRD26 (ankyrin repeat domain 26; minus strand). Cytogenetic location: 10p12.1.
Variant type: single nucleotide variant.
Coding change: c.2559+10T>A on transcript NM_014915.3 (MANE Select); 10 bases into the intron after coding-DNA position 2559, T replaced by A.
Molecular consequence: intron variant.
Genome position (GRCh38, 1-based): chr10:27,037,861, A>T on the plus strand (T>A on the coding strand, the complement: ANKRD26 is on the minus strand). VCF-style: chr10-27037861-A-T. GRCh37 (hg19) VCF-style: chr10-27326790-A-T.
Other names: c.2556+10T>A (NM_001256053.2).
Identifiers: ClinVar variation 299739 (VCV000299739.14), dbSNP rs768668962, ClinGen allele CA5448203.